The following is an entry in ClinVar:

NM_001148.6(ANK2):c.4160G>T (p.Gly1387Val)

Gene: ANK2 (ankyrin 2; plus strand). Cytogenetic location: 4q26.
Variant type: single nucleotide variant.
Coding change: c.4160G>T on transcript NM_001148.6 (MANE Select); coding-DNA position 4160, G replaced by T.
Protein change: p.Gly1387Val; replaces glycine 1387 with valine.
Molecular consequence: missense variant.
Genome position (GRCh38, 1-based): chr4:113,343,054, G>T. VCF-style: chr4-113343054-G-T. GRCh37 (hg19) VCF-style: chr4-114264210-G-T.
Other names: c.4133G>T, p.Gly1378Val (NM_001127493.3); c.4172G>T, p.Gly1391Val (NM_001354225.2); c.4061G>T, p.Gly1354Val (NM_001354228.2, NM_001354258.2); c.4139G>T, p.Gly1380Val (NM_001354230.2); c.4202G>T, p.Gly1401Val (NM_001354231.2, NM_001354242.2); c.4196G>T, p.Gly1399Val (NM_001354232.2); c.4157G>T, p.Gly1386Val (NM_001354235.2, NM_001354246.2, NM_001354265.2); c.4058G>T, p.Gly1353Val (NM_001354236.2); and 31 more; short protein forms G1300V, G1332V, G1340V, G1377V, G1386V, G1426V, G1287V, G1292V.
Identifiers: ClinVar variation 3539405 (VCV003539405.1).
Genomic context (GRCh38, chr4:113,343,054, plus strand): 5'-TATTTCTCTCTGTTTTCACTCAGGTGTTAGAAGGAAAACCCATCTACGTTGATTGTTTCG[G>T]CAACTTGGTACCATTAACTAAAAGTGGCCAGCATCATATATTCAGTTTTTTTGCCTTCAA-3'
Protein context (NP_001139.3, residues 1377-1397): EGKPIYVDCF[Gly1387Val]NLVPLTKSGQ

ClinVar aggregate classification (germline): Uncertain significance (1 of 4 stars; one submission).

Conditions:
Cardiovascular phenotype. Identifiers: MedGen CN230736.

Submission:

Ambry Genetics
Classification: Uncertain significance for Cardiovascular phenotype. Last evaluated: 2024-07-14. Review status: criteria provided, single submitter. Criteria: Ambry Variant Classification Scheme 2023. Collection method: clinical testing. Allele origin: germline.
Comment: The p.G1387V variant (also known as c.4160G>T), located in coding exon 34 of the ANK2 gene, results from a G to T substitution at nucleotide position 4160. The glycine at codon 1387 is replaced by valine, an amino acid with dissimilar properties. This amino acid position is conserved. In addition, this alteration is predicted to be deleterious by in silico analysis. Based on the available evidence, the clinical significance of this variant remains unclear.